The following is an entry in ClinVar:

ClinVar aggregate classification (germline): Pathogenic (1 of 4 stars; one submission).

Submission:

CeGaT Center for Human Genetics Tuebingen
Classification: Pathogenic. Last evaluated: 2025-09-01. Review status: criteria provided, single submitter. Criteria: CeGaT Center For Human Genetics Tuebingen Variant Classification Criteria Version 2. Collection method: clinical testing. Allele origin: germline. Affected: yes. Observed: 1 variant allele.
Comment: MYBPC3: PVS1, PM2, PS4:Supporting

NM_000256.3(MYBPC3):c.2204_2223del (p.Ile735fs)

Gene: MYBPC3 (myosin binding protein C3; minus strand). Cytogenetic location: 11p11.2.
Variant type: Deletion.
Coding change: c.2204_2223del on transcript NM_000256.3 (MANE Select); coding-DNA positions 2204 to 2223, 20 bases deleted (TCTTCACGGTCGAGGGGGCA).
Protein change: p.Ile735fs; shifts the reading frame from isoleucine 735.
Molecular consequence: frameshift variant.
Genome position (GRCh38, 1-based): chr11:47,338,605-47,338,624, TGCCCCCTCGACCGTGAAGA deleted on the plus strand (TCTTCACGGTCGAGGGGGCA on the coding strand, the reverse complement: MYBPC3 is on the minus strand); deleting any 20 consecutive bases within chr11:47,338,605-47,338,627 gives the same sequence; the c. name uses the placement nearest the transcript's 3' end. VCF-style (leftmost placement, unchanged base first): chr11-47338604-CTGCCCCCTCGACCGTGAAGA-C. GRCh37 (hg19) VCF-style: chr11-47360155-CTGCCCCCTCGACCGTGAAGA-C.
Other names: short protein forms I735fs.
Identifiers: ClinVar variation 4085996 (VCV004085996.8).